The following is an entry in ClinVar:

ClinVar aggregate classification (germline): Uncertain significance (1 of 4 stars; one submission).

Submission:

GeneDx
Classification: Uncertain significance. Last evaluated: 2025-01-30. Review status: criteria provided, single submitter. Criteria: GeneDx Variant Classification Process June 2021. Collection method: clinical testing. Allele origin: germline. Affected: yes.
Comment: Not observed at significant frequency in large population cohorts (gnomAD); In silico analysis supports that this missense variant has a deleterious effect on protein structure/function; Has not been previously published as pathogenic or benign to our knowledge

NM_013275.6(ANKRD11):c.7637C>A (p.Ala2546Asp)

Gene: ANKRD11 (ankyrin repeat domain containing 11; minus strand). Cytogenetic location: 16q24.3.
Variant type: single nucleotide variant.
Coding change: c.7637C>A on transcript NM_013275.6 (MANE Select); coding-DNA position 7637, C replaced by A.
Protein change: p.Ala2546Asp; replaces alanine 2546 with aspartic acid.
Molecular consequence: missense variant.
Genome position (GRCh38, 1-based): chr16:89,274,890, G>T on the plus strand (C>A on the coding strand, the complement: ANKRD11 is on the minus strand). VCF-style: chr16-89274890-G-T. GRCh37 (hg19) VCF-style: chr16-89341298-G-T.
Other names: c.7637C>A, p.Ala2546Asp (NM_001256182.2, NM_001256183.2); short protein forms A2546D.
Identifiers: ClinVar variation 4072726 (VCV004072726.1).